The following is an entry in ClinVar:

NM_001080453.3(INTS1):c.3084G>A (p.Trp1028Ter)

Gene: INTS1 (integrator complex subunit 1; minus strand). Cytogenetic location: 7p22.3.
Variant type: single nucleotide variant.
Coding change: c.3084G>A on transcript NM_001080453.3 (MANE Select); coding-DNA position 3084, G replaced by A.
Protein change: p.Trp1028Ter; replaces tryptophan 1028 with a stop codon.
Molecular consequence: nonsense.
Genome position (GRCh38, 1-based): chr7:1,485,362, C>T on the plus strand (G>A on the coding strand, the complement: INTS1 is on the minus strand). VCF-style: chr7-1485362-C-T. GRCh37 (hg19) VCF-style: chr7-1524998-C-T.
Other names: short protein forms W1028*.
Identifiers: ClinVar variation 3893349 (VCV003893349.1).
Genomic context (GRCh38, chr7:1,485,362, plus strand): 5'-CAGGGCTGTGGTGCTCCTGACGCTGTCGAACAGAGGCAGGCGAGGCAGGTCCCGCAGCAG[C>T]CACTGATAGCCCTGCAGCACATCTGTGTCCCCCACATCCTCCTCCATGGGGGGCTCCTTC-3'

ClinVar aggregate classification (germline): Likely pathogenic (1 of 4 stars; one submission).

gnomAD v4.1: 7 of 1,612,550 alleles (0.00043%); highest among the groups gnomAD compares: Admixed American, 0.0017%; no homozygotes.

Submission:

GeneDx
Classification: Likely pathogenic. Last evaluated: 2024-10-22. Review status: criteria provided, single submitter. Criteria: GeneDx Variant Classification Process June 2021. Collection method: clinical testing. Allele origin: germline. Affected: yes.
Comment: Nonsense variant predicted to result in protein truncation or nonsense mediated decay in a gene for which loss of function is a known mechanism of disease; Not observed at significant frequency in large population cohorts (gnomAD); Has not been previously published as pathogenic or benign to our knowledge